The following is an entry in ClinVar:

ClinVar aggregate classification (germline): Uncertain significance. Review status: criteria provided, multiple submitters, no conflicts (2 of 4 stars). 3 submissions from 3 submitters: Uncertain significance (2). 1 of the submissions does not count toward it. Last evaluated 2022-04-23.

Conditions:
Juvenile nephropathic cystinosis. Also called: Intermediate Cystinosis; Later-Onset (Juvenile) Cystinosis; CYSTINOSIS, LATE-ONSET JUVENILE OR ADOLESCENT NEPHROPATHIC TYPE. Identifiers: Orphanet 213, Orphanet 411634, MedGen C0268626, MONDO:0009066, OMIM 219900.
Inborn genetic diseases. Identifiers: MedGen C0950123, MeSH D030342.
Ocular cystinosis. Also called: Non-Nephropathic (Ocular) Cystinosis; Non-Nephropathic Cystinosis. Identifiers: Orphanet 213, Orphanet 411641, MedGen C2931013, MONDO:0009064, OMIM 219750.
Nephropathic cystinosis (CTNS). Also called: Abderhalden Lignac Kaufmann disease; Abderhalden-Kaufmann-Lignac syndrome; CYSTINOSIN, DEFECT OF; LYSOSOMAL CYSTINE TRANSPORT PROTEIN, DEFECT OF. Identifiers: Orphanet 213, Orphanet 411629, MedGen C2931187, MONDO:0100151, OMIM 219800.

Submissions (3):

Fulgent Genetics
Classification: Uncertain significance for Ocular cystinosis; Nephropathic cystinosis; Juvenile nephropathic cystinosis. Last evaluated: 2022-04-23. Review status: criteria provided, single submitter. Criteria: ACMG Guidelines, 2015. Collection method: clinical testing. Allele origin: unknown.

Labcorp Genetics (formerly Invitae), Labcorp
Classification: Uncertain significance for Inborn genetic diseases; Ocular cystinosis; Juvenile nephropathic cystinosis. Last evaluated: 2022-02-06. Review status: criteria provided, single submitter. Criteria: Invitae Variant Classification Sherloc (09022015). Collection method: clinical testing. Allele origin: germline.
Comment: This sequence change replaces alanine, which is neutral and non-polar, with leucine, which is neutral and non-polar, at codon 256 of the CTNS protein (p.Ala256Leu). Information on the frequency of this variant in the gnomAD database is not available, as this variant may be reported differently in the database. This variant has not been reported in the literature in individuals affected with CTNS-related conditions. ClinVar contains an entry for this variant (Variation ID: 591047). Algorithms developed to predict the effect of missense changes on protein structure and function are either unavailable or do not agree on the potential impact of this missense change (SIFT: "Not Available"; PolyPhen-2: "Benign"; Align-GVGD: "Not Available"). In summary, the available evidence is currently insufficient to determine the role of this variant in disease. Therefore, it has been classified as a Variant of Uncertain Significance.

Gharavi Laboratory, Columbia University
Classification: Uncertain significance. Last evaluated: 2018-09-16. Review status: no assertion criteria provided. Criteria: ACMG Guidelines, 2015. Collection method: research. Allele origin: germline. Affected: yes. Not counted in ClinVar's aggregate classification.

NM_004937.3(CTNS):c.766_767delinsTT (p.Ala256Leu)

Gene: CTNS (cystinosin, lysosomal cystine transporter; plus strand). Cytogenetic location: 17p13.2.
Variant type: Indel.
Coding change: c.766_767delinsTT on transcript NM_004937.3 (MANE Select); coding-DNA positions 766 to 767, GC replaced by TT.
Protein change: p.Ala256Leu; replaces alanine 256 with leucine.
Molecular consequence: missense variant.
Genome position (GRCh38, 1-based): chr17:3,658,089-3,658,090, GC replaced by TT. VCF-style: chr17-3658089-GC-TT. GRCh37 (hg19) VCF-style: chr17-3561383-GC-TT.
Other names: c.766_767delinsTT, p.Ala256Leu (NM_001031681.3, NM_001374492.1); c.325_326delinsTT, p.Ala109Leu (NM_001374493.1, NM_001374494.1, NM_001374495.1 and 1 more transcripts); short protein forms A256L, A109L.
Identifiers: ClinVar variation 591047 (VCV000591047.4), dbSNP rs1567713916, ClinGen allele CA891863075.